The following is an entry in ClinVar:

ClinVar aggregate classification (germline): Likely benign (0 of 4 stars; one submission).

Conditions:
PLXNA4-related disorder. Also called: PLXNA4-related condition.

gnomAD v4.1: 4 of 1,614,180 alleles (0.00025%); highest among the groups gnomAD compares: Non-Finnish European, 0.00034%; no homozygotes.

Submission:

PreventionGenetics, part of Exact Sciences
Classification: Likely benign for PLXNA4-related condition. Last evaluated: 2023-02-03. Review status: no assertion criteria provided. Collection method: clinical testing. Allele origin: germline.
Comment: This variant is classified as likely benign based on ACMG/AMP sequence variant interpretation guidelines (Richards et al. 2015 PMID: 25741868, with internal and published modifications).

NM_020911.2(PLXNA4):c.138G>A (p.Glu46=)

Gene: PLXNA4 (plexin A4; minus strand). Cytogenetic location: 7q32.3.
Variant type: single nucleotide variant.
Coding change: c.138G>A on transcript NM_020911.2 (MANE Select); coding-DNA position 138, G replaced by A.
Protein change: p.Glu46=; no amino-acid change (glutamic acid 46 retained).
Molecular consequence: synonymous variant.
Genome position (GRCh38, 1-based): chr7:132,508,556, C>T on the plus strand (G>A on the coding strand, the complement: PLXNA4 is on the minus strand). VCF-style: chr7-132508556-C-T. GRCh37 (hg19) VCF-style: chr7-132193315-C-T.
Other names: c.138G>A, p.Glu46= (NM_001105543.2, NM_001393897.1, NM_181775.4).
Identifiers: ClinVar variation 3356648 (VCV003356648.1).
Genomic context (GRCh38, chr7:132,508,556, plus strand): 5'-CCCCAAGTAAATGTGTCCTGTCCTCTCATCCACCACCAGGTGATTGAAACCCTCGGCGGG[C>T]TCTCCTCGGAATGTGACAAATGACCGCTGCTTCTGGGACAGCGGGGCTGGCTGCCGGGTG-3'
Protein context (NP_065962.1, residues 36-56): KQRSFVTFRG[Glu46=]PAEGFNHLVV